The following is an entry in ClinVar:

NM_006379.5(SEMA3C):c.1451C>G (p.Ala484Gly)

Gene: SEMA3C (semaphorin 3C; minus strand). Cytogenetic location: 7q21.11.
Variant type: single nucleotide variant.
Coding change: c.1451C>G on transcript NM_006379.5 (MANE Select); coding-DNA position 1451, C replaced by G.
Protein change: p.Ala484Gly; replaces alanine 484 with glycine.
Molecular consequence: missense variant.
Genome position (GRCh38, 1-based): chr7:80,761,650, G>C on the plus strand (C>G on the coding strand, the complement: SEMA3C is on the minus strand). VCF-style: chr7-80761650-G-C. GRCh37 (hg19) VCF-style: chr7-80390966-G-C.
Other names: c.1505C>G, p.Ala502Gly (NM_001350120.2); c.1277C>G, p.Ala426Gly (NM_001350121.2); c.1451C>G (NM_006379.3); short protein forms A426G, A484G, A502G.
Identifiers: ClinVar variation 2632122 (VCV002632122.3), dbSNP rs138970370, ClinGen allele CA4316097.
Genomic context (GRCh38, chr7:80,761,650, plus strand): 5'-AGAACATAAAATAGCTTAGTTTTTACCTTTTTAGATGAAATTTTCATTGTTGTTATAGGA[G>C]CATGATTCTAAAATATTAGAAAACAACATGTTAGTTGCTCAAATATTGCTTAAAAGGATT-3'
Protein context (NP_006370.1, residues 474-494): LEELEVFKNH[Ala484Gly]PITTMKISSK

ClinVar aggregate classification (germline): Uncertain significance. Review status: criteria provided, multiple submitters, no conflicts (2 of 4 stars). 2 submissions from 2 submitters: Uncertain significance (2). Last evaluated 2026-05-22.

Conditions:
SEMA3C-related disorder. Also called: SEMA3C-related condition.

Allele frequency attached by ClinVar (database versions not stated): ExAC 0.00002; TOPMed 0.00002; ESP Exome Variant Server 0.00008.
gnomAD v4.1: 47 of 1,334,648 alleles (0.0035%); highest among the groups gnomAD compares: Non-Finnish European, 0.0043%; no homozygotes.

Submissions (2):

PreventionGenetics, part of Exact Sciences
Classification: Uncertain significance for SEMA3C-related condition. Last evaluated: 2026-05-22. Review status: criteria provided, single submitter. Criteria: ACMG Guidelines, 2015. Collection method: clinical testing. Allele origin: germline.
Comment: The SEMA3C c.1505C>G variant is predicted to result in the amino acid substitution p.Ala502Gly. To our knowledge, this variant has not been reported in the literature. This variant is reported in 0.0049% of alleles in individuals of European (Non-Finnish) descent in gnomAD. At this time, the clinical significance of this variant is uncertain due to the absence of conclusive functional and genetic evidence.

Ambry Genetics
Classification: Uncertain significance. Last evaluated: 2025-10-24. Review status: criteria provided, single submitter. Criteria: Ambry Variant Classification Scheme 2023. Collection method: clinical testing. Allele origin: germline.